The following is an entry in ClinVar:

NM_001457.4(FLNB):c.913G>A (p.Val305Met)

Gene: FLNB (filamin B; plus strand). Cytogenetic location: 3p14.3.
Variant type: single nucleotide variant.
Coding change: c.913G>A on transcript NM_001457.4 (MANE Select); coding-DNA position 913, G replaced by A.
Protein change: p.Val305Met; replaces valine 305 with methionine.
Molecular consequence: missense variant.
Genome position (GRCh38, 1-based): chr3:58,096,147, G>A. VCF-style: chr3-58096147-G-A. GRCh37 (hg19) VCF-style: chr3-58081874-G-A.
Other names: c.913G>A, p.Val305Met (NM_001164317.2, NM_001164318.2, NM_001164319.2); short protein forms V305M.
Identifiers: ClinVar variation 3359546 (VCV003359546.1).

ClinVar aggregate classification (germline): Uncertain significance (1 of 4 stars; one submission).

Submission:

GeneDx
Classification: Uncertain significance. Last evaluated: 2023-06-11. Review status: criteria provided, single submitter. Criteria: GeneDx Variant Classification Process June 2021. Collection method: clinical testing. Allele origin: germline. Affected: yes.
Comment: Not observed at significant frequency in large population cohorts (gnomAD); In silico analysis supports that this missense variant does not alter protein structure/function; Has not been previously published as pathogenic or benign to our knowledge